The following is an entry in ClinVar:

NM_004655.4(AXIN2):c.1536G>T (p.Lys512Asn)

Gene: AXIN2 (axin 2; minus strand). Cytogenetic location: 17q24.1.
Variant type: single nucleotide variant.
Coding change: c.1536G>T on transcript NM_004655.4 (MANE Select); coding-DNA position 1536, G replaced by T.
Protein change: p.Lys512Asn; replaces lysine 512 with asparagine.
Molecular consequence: missense variant.
Genome position (GRCh38, 1-based): chr17:65,537,500, C>A on the plus strand (G>T on the coding strand, the complement: AXIN2 is on the minus strand). VCF-style: chr17-65537500-C-A. GRCh37 (hg19) VCF-style: chr17-63533618-C-A.
Other names: c.1536G>T, p.Lys512Asn (NM_001363813.1); short protein forms K512N.
Identifiers: ClinVar variation 949351 (VCV000949351.13), dbSNP rs1235854145, ClinGen allele CA400677315.

ClinVar aggregate classification (germline): Uncertain significance. Review status: criteria provided, multiple submitters, no conflicts (2 of 4 stars). 2 submissions from 2 submitters: Uncertain significance (2). Last evaluated 2025-08-24.

Conditions:
Oligodontia-cancer predisposition syndrome. Also called: TOOTH AGENESIS-COLORECTAL CANCER SYNDROME. Identifiers: Orphanet 300576, MedGen C1837750, MONDO:0012075, OMIM 608615. Disease mechanism: loss of function.
Hereditary cancer-predisposing syndrome. Also called: Hereditary neoplastic syndrome; Neoplastic Syndromes, Hereditary; Tumor predisposition; Hereditary Cancer Syndrome. Identifiers: Orphanet 140162, MedGen C0027672, MeSH D009386, MONDO:0015356.

Allele frequency attached by ClinVar (database versions not stated): gnomAD exomes below 0.00001; gnomAD 0.00001; TOPMed 0.00001.
gnomAD v4.1: 8 of 1,613,692 alleles (0.0005%); highest among the groups gnomAD compares: Non-Finnish European, 0.00068%; no homozygotes.

Submissions (2):

Ambry Genetics
Classification: Uncertain significance for Hereditary cancer-predisposing syndrome. Last evaluated: 2025-08-24. Review status: criteria provided, single submitter. Criteria: Ambry Variant Classification Scheme 2023. Collection method: clinical testing. Allele origin: germline.
Comment: The p.K512N variant (also known as c.1536G>T), located in coding exon 5 of the AXIN2 gene, results from a G to T substitution at nucleotide position 1536. The lysine at codon 512 is replaced by asparagine, an amino acid with similar properties. This amino acid position is highly conserved in available vertebrate species. In addition, this alteration is predicted to be tolerated by in silico analysis. Since supporting evidence is limited at this time, the clinical significance of this alteration remains unclear.

Labcorp Genetics (formerly Invitae), Labcorp
Classification: Uncertain significance for Oligodontia-cancer predisposition syndrome. Last evaluated: 2025-08-06. Review status: criteria provided, single submitter. Criteria: Invitae Variant Classification Sherloc (09022015). Collection method: clinical testing. Allele origin: germline.
Comment: This sequence change replaces lysine, which is basic and polar, with asparagine, which is neutral and polar, at codon 512 of the AXIN2 protein (p.Lys512Asn). This variant is not present in population databases (gnomAD no frequency). This variant has not been reported in the literature in individuals affected with AXIN2-related conditions. ClinVar contains an entry for this variant (Variation ID: 949351). Invitae Evidence Modeling of protein sequence and biophysical properties (such as structural, functional, and spatial information, amino acid conservation, physicochemical variation, residue mobility, and thermodynamic stability) has been performed for this missense variant. However, the output from this modeling did not meet the statistical confidence thresholds required to predict the impact of this variant on AXIN2 protein function. In summary, the available evidence is currently insufficient to determine the role of this variant in disease. Therefore, it has been classified as a Variant of Uncertain Significance.